The following is an entry in ClinVar:

ClinVar aggregate classification (germline): Likely benign. Review status: criteria provided, single submitter (1 of 4 stars). 2 submissions from 2 submitters: Likely benign (1). 1 of the submissions does not count toward it. Last evaluated 2026-01-06.

Conditions:
Phenylketonuria (PKU). Also called: Phenylketonuria (PKU); FOLLING DISEASE; OLIGOPHRENIA PHENYLPYRUVICA; Phenylketonurias. Identifiers: Orphanet 716, MedGen C0031485, MONDO:0009861, OMIM 261600. Disease mechanism: loss of function.

Allele frequency attached by ClinVar (database versions not stated): TOPMed 0.00001; gnomAD exomes below 0.00001.
gnomAD v4.1: 2 of 1,613,576 alleles (0.00012%); highest among the groups gnomAD compares: Admixed American, 0.0017%; no homozygotes.

Submissions (2):

Labcorp Genetics (formerly Invitae), Labcorp
Classification: Likely benign for Phenylketonuria. Last evaluated: 2026-01-06. Review status: criteria provided, single submitter. Criteria: Invitae Variant Classification Sherloc (09022015). Collection method: clinical testing. Allele origin: germline.

Inserm U 954, Faculté de Médecine de Nancy
Classification: Likely benign for Phenylketonuria. Review status: no assertion criteria provided. Collection method: not provided. Allele origin: unknown. Not counted in ClinVar's aggregate classification.
ClinVar note: Converted during submission from probable-non-pathogenic to Likely benign.

NM_000277.3(PAH):c.1152C>G (p.Pro384=)

Gene: PAH (phenylalanine hydroxylase; minus strand). Cytogenetic location: 12q23.2.
Variant type: single nucleotide variant.
Coding change: c.1152C>G on transcript NM_000277.3 (MANE Select); coding-DNA position 1152, C replaced by G.
Protein change: p.Pro384=; no amino-acid change (proline 384 retained).
Molecular consequence: synonymous variant.
Genome position (GRCh38, 1-based): chr12:102,843,693, G>C on the plus strand (C>G on the coding strand, the complement: PAH is on the minus strand). VCF-style: chr12-102843693-G-C. GRCh37 (hg19) VCF-style: chr12-103237471-G-C.
Other names: c.1152C>G, p.Pro384= (NM_001354304.2).
Identifiers: ClinVar variation 120259 (VCV000120259.11), dbSNP rs281865458, ClinGen allele CA267626.
Genomic context (GRCh38, chr12:102,843,693, plus strand): 5'-GTCACCACCTCACCTTACTTTCTCCTTGGCATCATTAAAACTCTCTGCCACGTAATAGAG[G>C]GGCTGGAACTCCGTGACAGTGTAATTTTGGATGGCTGTCTTCTCCAGCTCCAGGGGGAGA-3'
Protein context (NP_000268.1, residues 374-394): IQNYTVTEFQ[Pro384=]LYYVAESFND